The following is an entry in ClinVar:

NM_001244008.2(KIF1A):c.4722C>T (p.Cys1574=)

Gene: KIF1A (kinesin family member 1A; minus strand). Cytogenetic location: 2q37.3.
Variant type: single nucleotide variant.
Coding change: c.4722C>T on transcript NM_001244008.2 (MANE Select); coding-DNA position 4722, C replaced by T.
Protein change: p.Cys1574=; no amino-acid change (cysteine 1574 retained).
Molecular consequence: synonymous variant.
Genome position (GRCh38, 1-based): chr2:240,721,828, G>A on the plus strand (C>T on the coding strand, the complement: KIF1A is on the minus strand). VCF-style: chr2-240721828-G-A. GRCh37 (hg19) VCF-style: chr2-241661245-G-A.
Other names: c.4446C>T, p.Cys1482= (NM_001320705.2, NM_001379649.1); c.4473C>T, p.Cys1491= (NM_001330289.2); c.4521C>T, p.Cys1507= (NM_001330290.2, NM_001379648.1); c.4797C>T, p.Cys1599= (NM_001379631.1); c.4698C>T, p.Cys1566= (NM_001379632.1); c.4695C>T, p.Cys1565= (NM_001379633.1, NM_001379645.1); c.4548C>T, p.Cys1516= (NM_001379634.1); c.4545C>T, p.Cys1515= (NM_001379635.1, NM_001379646.1); and 8 more.
Identifiers: ClinVar variation 464254 (VCV000464254.14), dbSNP rs373532949, ClinGen allele CA2207341.

ClinVar aggregate classification (germline): Likely benign. Review status: criteria provided, multiple submitters, no conflicts (2 of 4 stars). 3 submissions from 3 submitters: Likely benign (2). 1 of the submissions does not count toward it. Last evaluated 2026-01-12.

Conditions:
KIF1A-related disorder. Also called: KIF1A-related disorders; KIF1A-related condition.
Inborn genetic diseases. Identifiers: MedGen C0950123, MeSH D030342.
Neuropathy, hereditary sensory, type 2C. Also called: Hereditary sensory and autonomic neuropathy type IIC; KIF1A-Related HSAN2 (HSAN2C). Identifiers: Orphanet 970, MedGen C3280168, MONDO:0013634, OMIM 614213.
Intellectual disability, autosomal dominant 9 (NESCAVS). Also called: NESCAV SYNDROME; KIF1A-Related Neurodevelopmental Disorder. Identifiers: Orphanet 662367, MedGen C5393830, MONDO:0013656, OMIM 614255.
Hereditary spastic paraplegia 30. Identifiers: Orphanet 101010, MedGen C5235139, MONDO:0012476.

Allele frequency attached by ClinVar (database versions not stated): gnomAD 0.00001; TOPMed 0.00002; gnomAD exomes 0.00004 and 0.00005; ExAC 0.00006; ESP Exome Variant Server 0.00008.

Submissions (3):

Labcorp Genetics (formerly Invitae), Labcorp
Classification: Likely benign for Hereditary spastic paraplegia 30; Neuropathy, hereditary sensory, type 2C; Intellectual disability, autosomal dominant 9. Last evaluated: 2026-01-12. Review status: criteria provided, single submitter. Criteria: Invitae Variant Classification Sherloc (09022015). Collection method: clinical testing. Allele origin: germline.

Ambry Genetics
Classification: Likely benign for Inborn genetic diseases. Last evaluated: 2019-07-11. Review status: criteria provided, single submitter. Criteria: Ambry Variant Classification Scheme 2023. Collection method: clinical testing. Allele origin: germline.

PreventionGenetics, part of Exact Sciences
Classification: Likely benign for KIF1A-related condition. Last evaluated: 2019-07-09. Review status: no assertion criteria provided. Collection method: clinical testing. Allele origin: germline. Not counted in ClinVar's aggregate classification.
Comment: This variant is classified as likely benign based on ACMG/AMP sequence variant interpretation guidelines (Richards et al. 2015 PMID: 25741868, with internal and published modifications).